The following is an entry in ClinVar:

ClinVar aggregate classification (germline): Conflicting classifications of pathogenicity. Review status: criteria provided, conflicting classifications (1 of 4 stars). 2 submissions from 2 submitters: Likely pathogenic (1); Uncertain significance (1). Last evaluated 2025-03-13.

Conditions:
Inborn genetic diseases. Identifiers: MedGen C0950123, MeSH D030342.
Cornelia de Lange syndrome 5 (CDLS5). Also called: HDAC8-Related Cornelia de Lange Syndrome. Identifiers: Orphanet 199, MedGen C3550903, MONDO:0010471, OMIM 300882.

Submissions (2):

Ambry Genetics
Classification: Likely pathogenic for Inborn genetic diseases. Last evaluated: 2025-03-13. Review status: criteria provided, single submitter. Criteria: Ambry Variant Classification Scheme 2023. Collection method: clinical testing. Allele origin: germline.
Comment: The c.1111+1G>A intronic variant results from a G to A substitution one nucleotide after coding exon 10 of the HDAC8 gene. Alterations that disrupt the canonical splice site are expected to result in aberrant splicing. A resulting transcript is predicted to be in-frame and is not expected to trigger nonsense-mediated mRNAdecay, although direct evidence is unavailable. This variant was not reported in population-based cohorts in the Genome Aggregation Database (gnomAD). This nucleotide position is highly conserved in available vertebrate species. In silico splice site analysis predicts that this alteration will weaken the native splice donor site and will result in the creation or strengthening of a novel splice donor site. Based on the available evidence, this alteration is classified as likely pathogenic.

Labcorp Genetics (formerly Invitae), Labcorp
Classification: Uncertain significance for Cornelia de Lange syndrome 5. Last evaluated: 2024-03-05. Review status: criteria provided, single submitter. Criteria: Invitae Variant Classification Sherloc (09022015). Collection method: clinical testing. Allele origin: germline.
Comment: This sequence change affects a donor splice site in intron 10 of the HDAC8 gene. While this variant is not anticipated to result in nonsense mediated decay, it likely alters RNA splicing and results in a disrupted protein product. This variant is not present in population databases (gnomAD no frequency). This variant has not been reported in the literature in individuals affected with HDAC8-related conditions. Variants that disrupt the consensus splice site are a relatively common cause of aberrant splicing (PMID: 17576681, 9536098). Algorithms developed to predict the effect of sequence changes on RNA splicing suggest that this variant may disrupt the consensus splice site. In summary, the available evidence is currently insufficient to determine the role of this variant in disease. Therefore, it has been classified as a Variant of Uncertain Significance.

Literature cited by the submitters: PubMed 17576681 (cited by Labcorp Genetics (formerly Invitae), Labcorp); PubMed 9536098 (cited by Labcorp Genetics (formerly Invitae), Labcorp).

NM_018486.3(HDAC8):c.1111+1G>A

Gene: HDAC8 (histone deacetylase 8; minus strand). Cytogenetic location: Xq13.1.
Variant type: single nucleotide variant.
Coding change: c.1111+1G>A on transcript NM_018486.3 (MANE Select); the canonical splice donor site of the intron after coding-DNA position 1111, G replaced by A.
Molecular consequence: splice donor variant.
Genome position (GRCh38, 1-based): chrX:72,351,732, C>T on the plus strand (G>A on the coding strand, the complement: HDAC8 is on the minus strand). VCF-style: chrX-72351732-C-T. GRCh37 (hg19) VCF-style: chrX-71571582-C-T.
Other names: c.838+1G>A (NM_001166418.2, NM_001410728.1); c.1033+1G>A (NM_001410727.1); c.1111+1G>A (NM_001410725.1, NM_018486.2).
Identifiers: ClinVar variation 3644549 (VCV003644549.3).
Genomic context (GRCh38, chrX:72,351,732, plus strand): 5'-CTGATGGGCCACCACAAACTGGGTGGAACAAGGAGGGCAGGCCTCGAGGGGCGGTGCTCA[C>T]CTTTGATGTAGTTGAGGATTTGTTGGATTCGGTGGGGCTCATTGCGGTCTGGCCGGCAGC-3'